The following is an entry in ClinVar:

NM_015450.3(POT1):c.224A>G (p.Asn75Ser)

Gene: POT1 (protection of telomeres 1; minus strand). Cytogenetic location: 7q31.33.
Variant type: single nucleotide variant.
Coding change: c.224A>G on transcript NM_015450.3 (MANE Select); coding-DNA position 224, A replaced by G.
Protein change: p.Asn75Ser; replaces asparagine 75 with serine.
Molecular consequence: missense variant. On other transcripts: non-coding transcript variant (3), intron variant (1).
Genome position (GRCh38, 1-based): chr7:124,870,942, T>C on the plus strand (A>G on the coding strand, the complement: POT1 is on the minus strand). VCF-style: chr7-124870942-T-C. GRCh37 (hg19) VCF-style: chr7-124510996-T-C.
Other names: c.-138-7302A>G (NM_001042594.2); short protein forms N75S.
Identifiers: ClinVar variation 475072 (VCV000475072.19), dbSNP rs1044174795, ClinGen allele CA166079848.

ClinVar aggregate classification (germline): Uncertain significance. Review status: criteria provided, multiple submitters, no conflicts (2 of 4 stars). 4 submissions from 4 submitters: Uncertain significance (4). Last evaluated 2025-11-04.

Conditions:
Tumor predisposition syndrome 3 (TPDS3). Also called: Glioma susceptibility 9; LONG TELOMERE SYNDROME, POT1-RELATED; POT1 Tumor Predisposition; Melanoma, cutaneous malignant, susceptibility to, 10. Identifiers: Orphanet 618, MedGen C4014476, MONDO:0014368, OMIM 615848.
Hereditary cancer-predisposing syndrome. Also called: Hereditary neoplastic syndrome; Hereditary Cancer Syndrome; Neoplastic Syndromes, Hereditary; Tumor predisposition. Identifiers: Orphanet 140162, MedGen C0027672, MeSH D009386, MONDO:0015356.

Allele frequency attached by ClinVar (database versions not stated): gnomAD 0.00001; gnomAD exomes 0.00001 and 0.00002; TOPMed 0.00002.
gnomAD v4.1: 23 of 1,608,368 alleles (0.0014%); highest among the groups gnomAD compares: Non-Finnish European, 0.0019%; no homozygotes.

Submissions (4):

Labcorp Genetics (formerly Invitae), Labcorp
Classification: Uncertain significance for Tumor predisposition syndrome 3. Last evaluated: 2025-11-04. Review status: criteria provided, single submitter. Criteria: Invitae Variant Classification Sherloc (09022015). Collection method: clinical testing. Allele origin: germline.
Comment: This sequence change replaces asparagine, which is neutral and polar, with serine, which is neutral and polar, at codon 75 of the POT1 protein (p.Asn75Ser). This variant is present in population databases (no rsID available, gnomAD 0.007%). This missense change has been observed in individual(s) with POT1-related conditions (PMID: 36539277). ClinVar contains an entry for this variant (Variation ID: 475072). Invitae Evidence Modeling of protein sequence and biophysical properties (such as structural, functional, and spatial information, amino acid conservation, physicochemical variation, residue mobility, and thermodynamic stability) indicates that this missense variant is not expected to disrupt POT1 protein function with a negative predictive value of 80%. RNA analysis performed to evaluate the impact of this missense change on mRNA splicing indicates it does not significantly alter splicing (internal data). In summary, the available evidence is currently insufficient to determine the role of this variant in disease. Therefore, it has been classified as a Variant of Uncertain Significance.

Quest Diagnostics Nichols Institute San Juan Capistrano
Classification: Uncertain significance. Last evaluated: 2024-05-24. Review status: criteria provided, single submitter. Criteria: Quest Diagnostics criteria. Collection method: clinical testing. Allele origin: unknown.
Comment: The POT1 c.224A>G (p.Asn75Ser) variant has been reported in the published literature in an individual with melanoma and suggested to retain normal POT1 binding ability (PMID: 36539277 (2023)). However, further evidence is needed to assess the variant's impact on protein function. The frequency of this variant in the general population, 0.0000081 (2/247592 chromosomes (Genome Aggregation Database)), is uninformative in the assessment of its pathogenicity. Analysis of this variant using bioinformatics tools for the prediction of the effect of amino acid changes on protein structure and function yielded predictions that this variant is benign. Based on the available information, we are unable to determine the clinical significance of this variant.

GeneDx
Classification: Uncertain significance. Last evaluated: 2024-04-08. Review status: criteria provided, single submitter. Criteria: GeneDx Variant Classification Process June 2021. Collection method: clinical testing. Allele origin: germline. Affected: yes.
Comment: Published functional study demonstrated no disruption in POT1-telomere complex formation (PMID: 36539277); Not observed at significant frequency in large population cohorts (gnomAD); In silico analysis supports that this missense variant does not alter protein structure/function; Observed in a patient with melanoma (PMID: 36539277); This variant is associated with the following publications: (PMID: 28393830, 36539277)

Ambry Genetics
Classification: Uncertain significance for Hereditary cancer-predisposing syndrome. Last evaluated: 2024-03-20. Review status: criteria provided, single submitter. Criteria: Ambry Variant Classification Scheme 2023. Collection method: clinical testing. Allele origin: germline.
Comment: The p.N75S variant (also known as c.224A>G), located in coding exon 3 of the POT1 gene, results from an A to G substitution at nucleotide position 224. The asparagine at codon 75 is replaced by serine, an amino acid with highly similar properties. This amino acid position is not well conserved in available vertebrate species. In addition, this alteration is predicted to be tolerated by in silico analysis. Since supporting evidence is limited at this time, the clinical significance of this alteration remains unclear.

Literature cited by the submitters: PubMed 36539277 (cited by Labcorp Genetics (formerly Invitae), Labcorp and Quest Diagnostics Nichols Institute San Juan Capistrano).